The following is an entry in ClinVar:

ClinVar aggregate classification (germline): Uncertain significance (1 of 4 stars; one submission).

Conditions:
Progressive myoclonic epilepsy type 5. Identifiers: Orphanet 402082, MedGen C5190799.

Allele frequency attached by ClinVar (database versions not stated): gnomAD exomes below 0.00001.
gnomAD v4.1: 1 of 1,614,176 alleles (0.000062%); highest among the groups gnomAD compares: Non-Finnish European, 0.000085%; no homozygotes.

Submission:

Labcorp Genetics (formerly Invitae), Labcorp
Classification: Uncertain significance for Progressive myoclonic epilepsy type 5. Last evaluated: 2019-03-14. Review status: criteria provided, single submitter. Criteria: Invitae Variant Classification Sherloc (09022015). Collection method: clinical testing. Allele origin: germline.
Comment: This sequence change replaces glycine with arginine at codon 648 of the PRICKLE2 protein (p.Gly648Arg). The glycine residue is highly conserved and there is a moderate physicochemical difference between glycine and arginine. This variant is not present in population databases (ExAC no frequency). This variant has not been reported in the literature in individuals with PRICKLE2-related conditions. Algorithms developed to predict the effect of missense changes on protein structure and function are either unavailable or do not agree on the potential impact of this missense change (SIFT: "Deleterious"; PolyPhen-2: "Benign"; Align-GVGD: "Class C0"). In summary, the available evidence is currently insufficient to determine the role of this variant in disease. Therefore, it has been classified as a Variant of Uncertain Significance.

NM_198859.4(PRICKLE2):c.1942G>C (p.Gly648Arg)

Genes: PRICKLE2 (prickle planar cell polarity protein 2; minus strand), PRICKLE2-AS1 (PRICKLE2 antisense RNA 1; plus strand). Cytogenetic location: 3p14.1.
Variant type: single nucleotide variant.
Coding change: c.1942G>C on transcript NM_198859.4 (MANE Select); coding-DNA position 1942, G replaced by C.
Protein change: p.Gly648Arg; replaces glycine 648 with arginine.
Molecular consequence: missense variant. On other transcripts: non-coding transcript variant (1).
Genome position (GRCh38, 1-based): chr3:64,099,644, C>G on the plus strand (G>C on the coding strand, the complement: PRICKLE2 is on the minus strand). VCF-style: chr3-64099644-C-G. GRCh37 (hg19) VCF-style: chr3-64085320-C-G.
Other names: c.1942G>C, p.Gly648Arg (NM_001370528.1); short protein forms G648R.
Identifiers: ClinVar variation 844586 (VCV000844586.7), dbSNP rs2076623046, ClinGen allele CA353427285.
Genomic context (GRCh38, chr3:64,099,644, plus strand): 5'-GTTCACTCATGGGCTGGATCCTCACGCCCTCCTGCCCTGGCAGCTTGCTGCCCGCCATCC[C>G]TCCATCAAAATCAAAGCTCTGATGCATCCTTCCGTGGGACTGCAGGTCTCTGTAGCCAAT-3'
Protein context (NP_942559.1, residues 638-658): RMHQSFDFDG[Gly648Arg]MAGSKLPGQE